The following is an entry in ClinVar:

NM_001134707.2(SARDH):c.1442G>A (p.Arg481His)

Gene: SARDH (sarcosine dehydrogenase; minus strand). Cytogenetic location: 9q34.2.
Variant type: single nucleotide variant.
Coding change: c.1442G>A on transcript NM_001134707.2 (MANE Select); coding-DNA position 1442, G replaced by A.
Protein change: p.Arg481His; replaces arginine 481 with histidine.
Molecular consequence: missense variant.
Genome position (GRCh38, 1-based): chr9:133,708,315, C>T on the plus strand (G>A on the coding strand, the complement: SARDH is on the minus strand). VCF-style: chr9-133708315-C-T. GRCh37 (hg19) VCF-style: chr9-136573437-C-T.
Other names: c.1442G>A, p.Arg481His (NM_007101.4); short protein forms R481H.
Identifiers: ClinVar variation 2664774 (VCV002664774.1), dbSNP rs35699831, ClinGen allele CA5314302.

ClinVar aggregate classification (germline): Uncertain significance (1 of 4 stars; one submission).

Conditions:
Sarcosine dehydrogenase deficiency (SAR). Also called: SARCOSINE DEHYDROGENASE COMPLEX DEFICIENCY; SARD DEFICIENCY; SARDH DEFICIENCY; Sarcosinemia; Hypersarcosinemia. Identifiers: Orphanet 3129, MedGen C0268563, MONDO:0010008, OMIM 268900, HP:0010896.

Allele frequency attached by ClinVar (database versions not stated): 1000 Genomes Project 0.00060; 1000 Genomes Project 30x 0.00062; ExAC 0.00070; gnomAD 0.00074; ESP Exome Variant Server 0.00085; TOPMed 0.00099.
gnomAD v4.1: 1,577 of 1,613,198 alleles (0.098%); highest among the groups gnomAD compares: Admixed American, 0.17%; 1 homozygote.

Submission:

Genetics and Molecular Pathology, SA Pathology
Classification: Uncertain significance for Sarcosine dehydrogenase deficiency. Last evaluated: 2023-02-20. Review status: criteria provided, single submitter. Criteria: ACMG Guidelines, 2015. Collection method: clinical testing. Allele origin: germline. Inheritance: Autosomal recessive inheritance. Affected: yes.
Comment: The SARDH c.1442G>A variant is classified as VUS (PM3_supporting, PP3, PP4). The SARDH c.1442G>A variant is a single nucleotide change in exon 11/21 of the SARDH gene, which is predicted to change the amino acid arginine at position 481 in the protein to histidine. Computational predictions support a deleterious effect on the gene or gene product (PP3). This variant has been reported in dbSNP (rs35699831) and in GnomAD (highest MAF: 0.15%). It has not been reported in ClinVar, HGMD or LOVD. The variant has not been reported in the scientific literature to date. This patient's phenotype is specific for a variant in the SARDH gene (PP4).